The following is an entry in ClinVar:

ClinVar aggregate classification (germline): Uncertain significance (1 of 4 stars; one submission).

Allele frequency attached by ClinVar (database versions not stated): TOPMed below 0.00001.

Submission:

GeneDx
Classification: Uncertain significance. Last evaluated: 2020-01-16. Review status: criteria provided, single submitter. Criteria: GeneDx Variant Classification Process June 2021. Collection method: clinical testing. Allele origin: germline. Affected: yes.
Comment: Has not been previously published as pathogenic or benign to our knowledge; Not observed in large population cohorts (Lek et al., 2016); The majority of missense variants in this gene are considered pathogenic (Stenson et al., 2014); In silico analysis, which includes protein predictors and evolutionary conservation, supports a deleterious effect

NM_001330260.2(SCN8A):c.1400G>T (p.Gly467Val)

Gene: SCN8A (sodium voltage-gated channel alpha subunit 8; plus strand). Cytogenetic location: 12q13.13.
Variant type: single nucleotide variant.
Coding change: c.1400G>T on transcript NM_001330260.2 (MANE Select); coding-DNA position 1400, G replaced by T.
Protein change: p.Gly467Val; replaces glycine 467 with valine.
Molecular consequence: missense variant.
Genome position (GRCh38, 1-based): chr12:51,706,480, G>T. VCF-style: chr12-51706480-G-T. GRCh37 (hg19) VCF-style: chr12-52100264-G-T.
Other names: c.1400G>T, p.Gly467Val (NM_001177984.3, NM_001369788.1, NM_014191.4); short protein forms G467V.
Identifiers: ClinVar variation 1316036 (VCV001316036.2), dbSNP rs1398266993, ClinGen allele CA385228722.